The following is an entry in ClinVar:

ClinVar aggregate classification (germline): Benign. Review status: criteria provided, multiple submitters, no conflicts (2 of 4 stars). 14 submissions from 14 submitters: Benign (11). 3 of the submissions do not count toward it. Last evaluated 2026-02-04.

Conditions:
Microcephaly 1, primary, autosomal recessive (MCPH1). Also called: PREMATURE CHROMOSOME CONDENSATION SYNDROME; PCC SYNDROME; PREMATURE CHROMOSOME CONDENSATION WITH MICROCEPHALY AND MENTAL RETARDATION. Identifiers: Orphanet 2512, MedGen C1855081, MONDO:0009617, OMIM 251200.

Allele frequency attached by ClinVar (database versions not stated): TOPMed 0.99147; gnomAD 0.99154 and 0.99234; ESP Exome Variant Server 0.99266; 1000 Genomes Project 30x 0.99360; 1000 Genomes Project 0.99441; ExAC 0.99798; gnomAD exomes 0.99818 and 0.99931.
gnomAD v4.1: 1,611,988 of 1,614,206 alleles (100%); highest among the groups gnomAD compares: Non-Finnish European, 100%; 804,919 homozygotes.

Submissions (14):

Labcorp Genetics (formerly Invitae), Labcorp
Classification: Benign. Last evaluated: 2026-02-04. Review status: criteria provided, single submitter. Criteria: Invitae Variant Classification Sherloc (09022015). Collection method: clinical testing. Allele origin: germline.

Women's Health and Genetics/Laboratory Corporation of America, LabCorp
Classification: Benign. Last evaluated: 2025-11-25. Review status: criteria provided, single submitter. Criteria: LabCorp Variant Classification Summary - May 2015. Collection method: clinical testing. Allele origin: germline.

Blueprint Genetics
Classification: Benign. Last evaluated: 2024-11-27. Review status: criteria provided, single submitter. Criteria: ACMG Guidelines, 2015. Collection method: clinical testing. Allele origin: germline.

Genome-Nilou Lab
Classification: Benign for Microcephaly 1, primary, autosomal recessive. Last evaluated: 2021-09-05. Review status: criteria provided, single submitter. Criteria: ACMG Guidelines, 2015. Collection method: clinical testing. Allele origin: germline. Affected: no.

Illumina Laboratory Services, Illumina
Classification: Benign for Microcephaly 1, primary, autosomal recessive. Last evaluated: 2018-01-12. Review status: criteria provided, single submitter. Criteria: ICSL Variant Classification Criteria 13 December 2019. Collection method: clinical testing. Allele origin: germline.
Comment: This variant was observed in the ICSL laboratory as part of a predisposition screen in an ostensibly healthy population. It had not been previously curated by ICSL or reported in the Human Gene Mutation Database (HGMD: prior to June 1st, 2018), and was therefore a candidate for classification through an automated scoring system. Utilizing variant allele frequency, disease prevalence and penetrance estimates, and inheritance mode, an automated score was calculated to assess if this variant is too frequent to cause the disease. Based on the score and internal cut-off values, a variant classified as benign is not then subjected to further curation. The score for this variant resulted in a classification of benign for this disease.

Athena Diagnostics
Classification: Benign. Last evaluated: 2017-08-02. Review status: criteria provided, single submitter. Criteria: Athena Diagnostics Criteria. Collection method: clinical testing. Allele origin: germline.

Clinical Genetics DNA and cytogenetics Diagnostics Lab, Erasmus MC, Erasmus Medical Center
Classification: Benign for Microcephaly 1, primary, autosomal recessive. Last evaluated: 2017-06-28. Review status: criteria provided, single submitter. Criteria: ACGS Guidelines, 2013. Collection method: clinical testing. Allele origin: germline. Affected: yes. Study: VKGL Data-share Consensus.

GeneDx
Classification: Benign. Last evaluated: 2015-03-03. Review status: criteria provided, single submitter. Criteria: GeneDx Variant Classification Process June 2021. Collection method: clinical testing. Allele origin: germline. Affected: yes.

Eurofins Ntd Llc (ga)
Classification: Benign. Last evaluated: 2014-12-20. Review status: criteria provided, single submitter. Criteria: EGL Classification Definitions 2015. Collection method: clinical testing. Allele origin: germline. Observed: 8 variant alleles, 8 homozygotes.

Breakthrough Genomics
Classification: Benign. Review status: criteria provided, single submitter. Criteria: ACMG Guidelines, 2015. Collection method: not provided. Allele origin: germline. Inheritance: Autosomal recessive inheritance. Affected: yes.

PreventionGenetics, part of Exact Sciences
Classification: Benign. Review status: criteria provided, single submitter. Criteria: ACMG Guidelines, 2015. Collection method: clinical testing. Allele origin: germline.

Diagnostic Laboratory, Department of Genetics, University Medical Center Groningen
Classification: Benign for Microcephaly 1, primary, autosomal recessive. Review status: no assertion criteria provided. Collection method: clinical testing. Allele origin: germline. Affected: yes. Study: VKGL Data-share Consensus. Not counted in ClinVar's aggregate classification.

Genetic Services Laboratory, University of Chicago
Classification: Likely benign. Review status: no assertion criteria provided. Collection method: clinical testing. Allele origin: germline. Inheritance: Autosomal recessive inheritance. Not counted in ClinVar's aggregate classification.
Comment: Likely benign based on allele frequency in 1000 Genomes Project or ESP global frequency and its presence in a patient with a rare or unrelated disease phenotype. NOT Sanger confirmed

Joint Genome Diagnostic Labs from Nijmegen and Maastricht, Radboudumc and MUMC+
Classification: Benign. Review status: no assertion criteria provided. Collection method: clinical testing. Allele origin: germline. Affected: yes. Study: VKGL Data-share Consensus. Not counted in ClinVar's aggregate classification.

NM_024596.5(MCPH1):c.1175A>G (p.Asp392Gly)

Gene: MCPH1 (microcephalin 1; plus strand). Cytogenetic location: 8p23.1.
Variant type: single nucleotide variant.
Coding change: c.1175A>G on transcript NM_024596.5 (MANE Select); coding-DNA position 1175, A replaced by G.
Protein change: p.Asp392Gly; replaces aspartic acid 392 with glycine.
Molecular consequence: missense variant. On other transcripts: non-coding transcript variant (1).
Genome position (GRCh38, 1-based): chr8:6,444,897, A>G. VCF-style: chr8-6444897-A-G. GRCh37 (hg19) VCF-style: chr8-6302418-A-G.
Other names: c.1175A>G, p.Asp392Gly (NM_001172574.2, NM_001322042.2, NM_001363979.1 and 1 more transcripts); c.1031A>G, p.Asp344Gly (NM_001172575.2); c.1169A>G, p.Asp390Gly (NM_001322043.2); c.1073A>G, p.Asp358Gly (NM_001322045.2); short protein forms D392G, D344G, D390G, D358G.
Identifiers: ClinVar variation 96126 (VCV000096126.31), dbSNP rs2515569, ClinGen allele CA149260.